The following is an entry in ClinVar:

NM_014049.5(ACAD9):c.1675C>T (p.Arg559Cys)

Genes: ACAD9 (acyl-CoA dehydrogenase family member 9; plus strand), CFAP92 (cilia and flagella associated protein 92 (putative); minus strand). Cytogenetic location: 3q21.3.
Variant type: single nucleotide variant.
Coding change: c.1675C>T on transcript NM_014049.5 (MANE Select); coding-DNA position 1675, C replaced by T.
Protein change: p.Arg559Cys; replaces arginine 559 with cysteine.
Molecular consequence: missense variant. On other transcripts: non-coding transcript variant (1), 3 prime UTR variant (3).
Genome position (GRCh38, 1-based): chr3:128,910,132, C>T. VCF-style: chr3-128910132-C-T. GRCh37 (hg19) VCF-style: chr3-128628975-C-T.
Other names: c.1306C>T, p.Arg436Cys (NM_001410805.1); c.*167G>A (NM_001348520.2, NM_001348521.2, NM_001394090.1); short protein forms R559C, R436C.
Identifiers: ClinVar variation 1306480 (VCV001306480.3), dbSNP rs138871762, ClinGen allele CA2601643.

ClinVar aggregate classification (germline): Uncertain significance. Review status: criteria provided, multiple submitters, no conflicts (2 of 4 stars). 2 submissions from 2 submitters: Uncertain significance (2). Last evaluated 2022-10-17.

gnomAD v4.1: 68 of 1,613,938 alleles (0.0042%); highest among the groups gnomAD compares: Middle Eastern, 0.016%; no homozygotes.

Submissions (2):

Labcorp Genetics (formerly Invitae), Labcorp
Classification: Uncertain significance. Last evaluated: 2022-10-17. Review status: criteria provided, single submitter. Criteria: Invitae Variant Classification Sherloc (09022015). Collection method: clinical testing. Allele origin: germline.
Comment: This sequence change replaces arginine, which is basic and polar, with cysteine, which is neutral and slightly polar, at codon 559 of the ACAD9 protein (p.Arg559Cys). The frequency data for this variant in the population databases is considered unreliable, as metrics indicate poor data quality at this position in the gnomAD database. This variant has not been reported in the literature in individuals affected with ACAD9-related conditions. ClinVar contains an entry for this variant (Variation ID: 1306480). Advanced modeling of protein sequence and biophysical properties (such as structural, functional, and spatial information, amino acid conservation, physicochemical variation, residue mobility, and thermodynamic stability) performed at Invitae indicates that this missense variant is not expected to disrupt ACAD9 protein function. In summary, the available evidence is currently insufficient to determine the role of this variant in disease. Therefore, it has been classified as a Variant of Uncertain Significance.

GeneDx
Classification: Uncertain significance. Last evaluated: 2019-06-12. Review status: criteria provided, single submitter. Criteria: GeneDx Variant Classification Process June 2021. Collection method: clinical testing. Allele origin: germline. Affected: yes.
Comment: Has not been previously reported as pathogenic or benign to our knowledge; Not observed at a significant frequency in large population cohorts (Lek et al., 2016); In silico analysis, which includes protein predictors and evolutionary conservation, supports a deleterious effect